The following is an entry in ClinVar:

NM_015102.5(NPHP4):c.714G>C (p.Thr238=)

Gene: NPHP4 (nephrocystin 4; minus strand). Cytogenetic location: 1p36.31.
Variant type: single nucleotide variant.
Coding change: c.714G>C on transcript NM_015102.5 (MANE Select); coding-DNA position 714, G replaced by C.
Protein change: p.Thr238=; no amino-acid change (threonine 238 retained).
Molecular consequence: synonymous variant. On other transcripts: 5 prime UTR variant (1), non-coding transcript variant (1), intron variant (1).
Genome position (GRCh38, 1-based): chr1:5,952,796, C>G on the plus strand (G>C on the coding strand, the complement: NPHP4 is on the minus strand). VCF-style: chr1-5952796-C-G. GRCh37 (hg19) VCF-style: chr1-6012856-C-G.
Other names: c.-653G>C (NM_001291594.2); c.-556-4545G>C (NM_001291593.2); c.714G>C (NM_015102.4).
Identifiers: ClinVar variation 499981 (VCV000499981.15), dbSNP rs1011986078, ClinGen allele CA415787953.

ClinVar aggregate classification (germline): Conflicting classifications of pathogenicity. Review status: criteria provided, conflicting classifications (1 of 4 stars). 4 submissions from 4 submitters: Uncertain significance (1); Likely benign (3). Last evaluated 2026-01-11.

Conditions:
NPHP4-related disorder. Also called: NPHP4-related disorders; NPHP4-related condition. Identifiers: MedGen CN239384.
Nephronophthisis. Also called: Juvenile Nephronophthisis. Identifiers: Orphanet 655, MedGen C0687120, MONDO:0019005, HP:0000090.

gnomAD v4.1: 9 of 1,596,630 alleles (0.00056%); highest among the groups gnomAD compares: Admixed American, 0.0069%; no homozygotes.

Submissions (4):

PreventionGenetics, part of Exact Sciences
Classification: Likely benign for NPHP4-related condition. Last evaluated: 2026-01-11. Review status: criteria provided, single submitter. Criteria: ACMG Guidelines, 2015. Collection method: clinical testing. Allele origin: germline.
Comment: This variant is classified as likely benign based on ACMG/AMP sequence variant interpretation guidelines (Richards et al. 2015 PMID: 25741868, with internal and published modifications).

Blueprint Genetics
Classification: Likely benign. Last evaluated: 2024-09-11. Review status: criteria provided, single submitter. Criteria: ACMG Guidelines, 2015. Collection method: clinical testing. Allele origin: germline.

Labcorp Genetics (formerly Invitae), Labcorp
Classification: Likely benign for Nephronophthisis. Last evaluated: 2023-07-11. Review status: criteria provided, single submitter. Criteria: Invitae Variant Classification Sherloc (09022015). Collection method: clinical testing. Allele origin: germline.

Eurofins Ntd Llc (ga)
Classification: Uncertain significance. Last evaluated: 2017-01-16. Review status: criteria provided, single submitter. Criteria: EGL Classification Definitions 2015. Collection method: clinical testing. Allele origin: germline. Observed: 2 variant alleles, 2 heterozygotes.